The following is an entry in ClinVar:

NM_012309.5(SHANK2):c.2296C>T (p.Arg766Trp)

Gene: SHANK2 (SH3 and multiple ankyrin repeat domains 2; minus strand). Cytogenetic location: 11q13.4.
Variant type: single nucleotide variant.
Coding change: c.2296C>T on transcript NM_012309.5 (MANE Select); coding-DNA position 2296, C replaced by T.
Protein change: p.Arg766Trp; replaces arginine 766 with tryptophan.
Molecular consequence: missense variant. On other transcripts: non-coding transcript variant (1).
Genome position (GRCh38, 1-based): chr11:70,500,582, G>A on the plus strand (C>T on the coding strand, the complement: SHANK2 is on the minus strand). VCF-style: chr11-70500582-G-A. GRCh37 (hg19) VCF-style: chr11-70346687-G-A.
Other names: c.1159C>T, p.Arg387Trp (NM_001379226.1); c.532C>T, p.Arg178Trp (NM_133266.5); short protein forms R178W, R387W, R766W.
Identifiers: ClinVar variation 1696518 (VCV001696518.1), dbSNP rs781809082, ClinGen allele CA6161454.

ClinVar aggregate classification (germline): Uncertain significance (1 of 4 stars; one submission).

Conditions:
SHANK2-related Complex neurodevelopmental disorder.

Allele frequency attached by ClinVar (database versions not stated): gnomAD 0.00002; ExAC 0.00005; gnomAD exomes 0.00005; TOPMed 0.00005.
gnomAD v4.1: 51 of 1,603,474 alleles (0.0032%); highest among the groups gnomAD compares: Admixed American, 0.019%; no homozygotes.

Submission:

New York Genome Center
Classification: Uncertain significance for SHANK2-related Complex neurodevelopmental disorder. Last evaluated: 2021-07-24. Review status: criteria provided, single submitter. Criteria: NYGC Assertion Criteria 2020. Collection method: clinical testing. Allele origin: germline. Observed: 1 heterozygote. Study: CSER-NYCKidSeq.
Comment: The c.2296C>T, p.Arg766Trp variant identified in the SHANK2 gene has not been reported in the literature in individuals with SHANK2 -related conditions. This variant has three heterozygous allele in gnomAD v3.1.1 suggesting it is not a common benign variant in the populations represented in this database. In silico algorithms predict a conflicting interpretation of pathogenicity. Given the lack of compelling evidence for its pathogenicity, the c.2296C>T, p.Arg766Trp variant identified in the SHANK2 gene is reported as a Variant of Uncertain Significance.